The following is an entry in ClinVar:

ClinVar aggregate classification (germline): Likely benign. Review status: reviewed by expert panel (3 of 4 stars). 8 submissions from 8 submitters: Likely benign (1). 7 of the submissions do not count toward it. Last evaluated 2017-06-29.

Conditions:
Hereditary cancer-predisposing syndrome. Also called: Tumor predisposition; Neoplastic Syndromes, Hereditary; Hereditary Cancer Syndrome; Hereditary neoplastic syndrome. Identifiers: Orphanet 140162, MedGen C0027672, MeSH D009386, MONDO:0015356.
Hereditary breast ovarian cancer syndrome. Also called: Hereditary breast and ovarian cancer; Hereditary breast and ovarian cancer syndrome (HBOC); Hereditary breast and/or ovarian cancer syndrome; Breast and ovarian cancer; Hereditary breast and ovarian cancer syndrome; BRCA1- and BRCA2-Associated Hereditary Breast and Ovarian Cancer. Identifiers: Orphanet 145, MedGen C0677776, MeSH D061325, MONDO:0003582. Disease mechanism: loss of function.
Breast-ovarian cancer, familial, susceptibility to, 2 (BROVCA2). Also called: BRCA2 Hereditary Breast and Ovarian Cancer. Identifiers: Orphanet 145, MedGen C2675520, MONDO:0012933, OMIM 612555. Disease mechanism: loss of function.

Allele frequency attached by ClinVar (database versions not stated): gnomAD exomes below 0.00001; ExAC 0.00001.
gnomAD v4.1: 1 of 1,614,162 alleles (0.000062%); highest among the groups gnomAD compares: Admixed American, 0.0017%; no homozygotes.

Submissions (8):

Evidence-based Network for the Interpretation of Germline Mutant Alleles (ENIGMA)
Classification: Likely benign for Breast-ovarian cancer, familial, susceptibility to, 2. Last evaluated: 2017-06-29. Review status: reviewed by expert panel. Criteria: ENIGMA BRCA1/2 Classification Criteria (2017-06-29). Collection method: curation. Allele origin: germline.
Comment: Synonymous substitution variant, with low bioinformatic likelihood to result in a splicing aberration (Splicing prior probability 0.02).

Labcorp Genetics (formerly Invitae), Labcorp
Classification: Likely benign for Hereditary breast ovarian cancer syndrome. Last evaluated: 2025-12-13. Review status: criteria provided, single submitter. Criteria: Invitae Variant Classification Sherloc (09022015). Collection method: clinical testing. Allele origin: germline. Not counted in ClinVar's aggregate classification.

ARUP Laboratories, Molecular Genetics and Genomics, ARUP Laboratories
Classification: Likely benign. Last evaluated: 2024-05-13. Review status: criteria provided, single submitter. Criteria: ARUP Molecular Germline Variant Investigation Process 2024. Collection method: clinical testing. Allele origin: germline. Not counted in ClinVar's aggregate classification.

All of Us Research Program, National Institutes of Health
Classification: Likely benign for Breast-ovarian cancer, familial, susceptibility to, 2. Last evaluated: 2023-11-20. Review status: criteria provided, single submitter. Criteria: ACMG Guidelines, 2015. Collection method: clinical testing. Allele origin: germline. Inheritance: Autosomal dominant inheritance. Observed: 3 variant alleles, 3 heterozygotes. Not counted in ClinVar's aggregate classification.
Comment: This study involves interpretation of variants in research participants for the purpose of population health screening. Participant phenotype was not available at the time of variant classification. Additional details can be found in publication PMID: 35346344, PMCID: PMC8962531

Quest Diagnostics Nichols Institute San Juan Capistrano
Classification: Likely benign. Last evaluated: 2019-09-26. Review status: criteria provided, single submitter. Criteria: Quest Diagnostics criteria. Collection method: clinical testing. Allele origin: unknown. Not counted in ClinVar's aggregate classification.

Women's Health and Genetics/Laboratory Corporation of America, LabCorp
Classification: Likely benign. Last evaluated: 2019-08-21. Review status: criteria provided, single submitter. Criteria: LabCorp Variant Classification Summary - May 2015. Collection method: clinical testing. Allele origin: germline. Not counted in ClinVar's aggregate classification.

Ambry Genetics
Classification: Likely benign for Hereditary cancer-predisposing syndrome. Last evaluated: 2016-07-08. Review status: criteria provided, single submitter. Criteria: Ambry Variant Classification Scheme 2023. Collection method: clinical testing. Allele origin: germline. Not counted in ClinVar's aggregate classification.

Color Diagnostics, LLC DBA Color Health
Classification: Likely benign for Hereditary cancer-predisposing syndrome. Last evaluated: 2015-04-01. Review status: criteria provided, single submitter. Criteria: ACMG Guidelines, 2015. Collection method: clinical testing. Allele origin: germline. Not counted in ClinVar's aggregate classification.

NM_000059.4(BRCA2):c.9468A>G (p.Gln3156=)

Gene: BRCA2 (BRCA2 DNA repair associated; plus strand). Cytogenetic location: 13q13.1.
Variant type: single nucleotide variant.
Coding change: c.9468A>G on transcript NM_000059.4 (MANE Select); coding-DNA position 9468, A replaced by G.
Protein change: p.Gln3156=; no amino-acid change (glutamine 3156 retained).
Molecular consequence: synonymous variant.
Genome position (GRCh38, 1-based): chr13:32,394,900, A>G. VCF-style: chr13-32394900-A-G. GRCh37 (hg19) VCF-style: chr13-32969037-A-G.
Identifiers: ClinVar variation 415648 (VCV000415648.23), dbSNP rs753503094, ClinGen allele CA6941387.
Genomic context (GRCh38, chr13:32,394,900, plus strand): 5'-TACTTTATTTGCTGGAGATTTTTCTGTGTTTTCTGCTAGTCCAAAAGAGGGCCACTTTCA[A>G]GAGACATTCAACAAAATGAAAAATACTGTTGAGGTAAGGTTACTTTTCAGCATCACCACA-3'
Protein context (NP_000050.3, residues 3146-3166): FSASPKEGHF[Gln3156=]ETFNKMKNTV